The following is an entry in ClinVar:

ClinVar aggregate classification (germline): Likely benign (1 of 4 stars; one submission).

Conditions:
Laron-type isolated somatotropin defect. Also called: GROWTH HORMONE RECEPTOR DEFICIENCY; Laron Syndrome; Growth hormone binding protein deficiency or dysfunction; Growth hormone receptor deficiency or dysfunction; Laron dwarfism; Laron type pituitary dwarfism I. Identifiers: Orphanet 633, MedGen C0271568, MONDO:0009877, OMIM 262500.

Allele frequency attached by ClinVar (database versions not stated): gnomAD 0.00784 and 0.00826; TOPMed 0.00935; 1000 Genomes Project 0.01098; 1000 Genomes Project 30x 0.01124.

Submission:

Illumina Laboratory Services, Illumina
Classification: Likely benign for Laron-type isolated somatotropin defect. Last evaluated: 2017-04-27. Review status: criteria provided, single submitter. Criteria: ICSL Variant Classification Criteria 13 December 2019. Collection method: clinical testing. Allele origin: germline.
Comment: This variant was observed as part of a predisposition screen in an ostensibly healthy population. A literature search was performed for the gene, cDNA change, and amino acid change (where applicable). No publications were found based on this search. Allele frequency data from public databases allowed determination this variant is unlikely to cause disease. Therefore, this variant is classified as likely benign.

NM_000163.5(GHR):c.*2169C>T

Gene: GHR (growth hormone receptor; plus strand). Cytogenetic location: 5p12.
Variant type: single nucleotide variant.
Coding change: c.*2169C>T on transcript NM_000163.5 (MANE Select); 2169 bases downstream of the stop codon, C replaced by T.
Molecular consequence: 3 prime UTR variant.
Genome position (GRCh38, 1-based): chr5:42,721,593, C>T. VCF-style: chr5-42721593-C-T. GRCh37 (hg19) VCF-style: chr5-42721695-C-T.
Other names: c.*2169C>T (NM_001242399.2, NM_001242400.2, NM_001242401.4 and 6 more transcripts); c.*3128C>T (NM_001242462.1).
Identifiers: ClinVar variation 353718 (VCV000353718.5), dbSNP rs28943876, ClinGen allele CA10620502.